The following is an entry in ClinVar:

ClinVar aggregate classification (germline): Uncertain significance (1 of 4 stars; one submission).

Conditions:
Familial thoracic aortic aneurysm and aortic dissection (TAAD). Also called: Thoracic aortic aneurysms and dissections. Identifiers: Orphanet 91387, MedGen C4707243, MONDO:0019625.

Submission:

All of Us Research Program, National Institutes of Health
Classification: Uncertain significance for Familial thoracic aortic aneurysm and aortic dissection. Last evaluated: 2024-04-16. Review status: criteria provided, single submitter. Criteria: ACMG Guidelines, 2015. Collection method: clinical testing. Allele origin: germline. Inheritance: Autosomal dominant inheritance. Observed: 1 variant allele, 1 heterozygote.
Comment: This missense variant replaces glutamic acid with aspartic acid at codon 1545 of the MYH11 protein. Computational prediction suggests that this variant may not impact protein structure and function (internally defined REVEL score threshold <= 0.5, PMID: 27666373). To our knowledge, functional studies have not been reported for this variant. This variant has not been reported in individuals affected with MYH11-related disorders in the literature. This variant has not been identified in the general population by the Genome Aggregation Database (gnomAD). The available evidence is insufficient to determine the role of this variant in disease conclusively. Therefore, this variant is classified as a Variant of Uncertain Significance.

This study involves interpretation of variants in research participants for the purpose of population health screening. Participant phenotype was not available at the time of variant classification. Additional details can be found in publication PMID: 35346344, PMCID: PMC8962531

NM_002474.3(MYH11):c.4614G>C (p.Glu1538Asp)

Genes: NDE1 (nudE neurodevelopment protein 1; plus strand), MYH11 (myosin heavy chain 11; minus strand). Cytogenetic location: 16p13.11.
Variant type: single nucleotide variant.
Coding change: c.4614G>C on transcript NM_002474.3 (MANE Select); coding-DNA position 4614, G replaced by C.
Protein change: p.Glu1538Asp; replaces glutamic acid 1538 with aspartic acid.
Molecular consequence: missense variant. On other transcripts: intron variant (2).
Genome position (GRCh38, 1-based): chr16:15,721,016, C>G on the plus strand (G>C on the coding strand, the complement: MYH11 is on the minus strand). VCF-style: chr16-15721016-C-G. GRCh37 (hg19) VCF-style: chr16-15814873-C-G.
Other names: c.4635G>C, p.Glu1545Asp (NM_001040113.2, NM_001040114.2); c.4614G>C, p.Glu1538Asp (NM_022844.3); c.948-3175C>G (NM_001143979.2, NM_017668.3); short protein forms E1538D, E1545D.
Identifiers: ClinVar variation 3387178 (VCV003387178.1).